The following is an entry in ClinVar:

ClinVar aggregate classification (germline): Uncertain significance (1 of 4 stars; one submission).

Submission:

Women's Health and Genetics/Laboratory Corporation of America, LabCorp
Classification: Uncertain significance. Last evaluated: 2022-04-12. Review status: criteria provided, single submitter. Criteria: LabCorp Variant Classification Summary - May 2015. Collection method: clinical testing. Allele origin: germline.
Comment: Variant summary: The variant identified by MLPA or other technology involves the duplication of exons 1-3 in the INPP5E gene, where exon 1 contains the initiator codon. The exact breakpoint at the 5' end of this variant is unknown and therefore this duplication might extend upstream of the assayed region of the INPP5E gene. A presumed nomenclature of c.(?_-404)_(1023_1035-1)dup has been designated for the purposes of this classification. It has been assumed that this is a tandem duplication in direct orientation (Richardson_GIM_2018, Newman_AJHG_2015). Since the exact breakpoints of this duplication are not known, it is not possible to predict the protein level effect of this variant. A variant involving the duplication of exons 1-3 together with a large DNA segment (~ 18.7 kbp) extending upstream of the gene (which also includes a part of the SEC16A gene) was found at a frequency of 9.2e-05 (i.e. 2 alleles) in 21694 control chromosomes in the gnomAD database (structural variants dataset). The available data on variant occurrences in the general population are insufficient to allow any conclusion about variant significance. To our knowledge, no occurrence of c.(?_-404)_(1023_1035-1)dup in individuals affected with Joubert Syndrome and Related Disorders and no experimental evidence demonstrating its impact on protein function have been reported. One clinical diagnostic laboratory has submitted clinical-significance assessments for this variant to ClinVar after 2014, and classified the variant as uncertain significance. In conclusion, while it may be assumed that duplication variants including a large DNA segment upstream of the gene (i.e. containing the promoter- and other essential regulatory elements) might result in regular transcription initiation leading to an intact protein product, shorter tandem duplication variants involving the first 3 exons, could result in a frameshift or in-frame duplication change causing disease. Since it is not possible to distinguish between these two outcomes in the context of this evaluation, the variant was classified as VUS.

NC_000009.11:g.(139327732_139328500)_(139334275_?)dup

Gene: INPP5E (inositol polyphosphate-5-phosphatase E; minus strand). Cytogenetic location: 9q34.3.
Variant type: Duplication.
Identifiers: ClinVar variation 1683368 (VCV001683368.1).